The following is an entry in ClinVar:

NM_205861.3(DHDDS):c.898C>A (p.His300Asn)

Gene: DHDDS (dehydrodolichyl diphosphate synthase subunit; plus strand). Cytogenetic location: 1p36.11.
Variant type: single nucleotide variant.
Coding change: c.898C>A on transcript NM_205861.3 (MANE Select); coding-DNA position 898, C replaced by A.
Protein change: p.His300Asn; replaces histidine 300 with asparagine.
Molecular consequence: missense variant.
Genome position (GRCh38, 1-based): chr1:26,469,027, C>A. VCF-style: chr1-26469027-C-A. GRCh37 (hg19) VCF-style: chr1-26795518-C-A.
Other names: c.796C>A, p.His266Asn (NM_001243564.2); c.781C>A, p.His261Asn (NM_001243565.2); c.619C>A, p.His207Asn (NM_001319959.2); c.901C>A, p.His301Asn (NM_024887.4); short protein forms H261N, H266N, H301N, H300N, H207N.
Identifiers: ClinVar variation 2845440 (VCV002845440.3), dbSNP rs2524816596, ClinGen allele CA339145782.

ClinVar aggregate classification (germline): Uncertain significance (1 of 4 stars; one submission).

Conditions:
Retinitis pigmentosa 59 (RP59). Identifiers: Orphanet 791, MedGen C3151227, MONDO:0013468, OMIM 613861.

Submission:

Labcorp Genetics (formerly Invitae), Labcorp
Classification: Uncertain significance for Retinitis pigmentosa 59. Last evaluated: 2023-03-13. Review status: criteria provided, single submitter. Criteria: Invitae Variant Classification Sherloc (09022015). Collection method: clinical testing. Allele origin: germline.
Comment: In summary, the available evidence is currently insufficient to determine the role of this variant in disease. Therefore, it has been classified as a Variant of Uncertain Significance. An algorithm developed to predict the effect of missense changes on protein structure and function (PolyPhen-2) suggests that this variant is likely to be tolerated. This variant has not been reported in the literature in individuals affected with DHDDS-related conditions. This variant is not present in population databases (gnomAD no frequency). This sequence change replaces histidine, which is basic and polar, with asparagine, which is neutral and polar, at codon 301 of the DHDDS protein (p.His301Asn).